The following is an entry in ClinVar:

NM_001267550.2(TTN):c.3670T>C (p.Leu1224=)

Gene: TTN (titin; minus strand). Cytogenetic location: 2q31.2.
Variant type: single nucleotide variant.
Coding change: c.3670T>C on transcript NM_001267550.2 (MANE Select); coding-DNA position 3670, T replaced by C.
Protein change: p.Leu1224=; no amino-acid change (leucine 1224 retained).
Molecular consequence: synonymous variant.
Genome position (GRCh38, 1-based): chr2:178,780,059, A>G on the plus strand (T>C on the coding strand, the complement: TTN is on the minus strand). VCF-style: chr2-178780059-A-G. GRCh37 (hg19) VCF-style: chr2-179644786-A-G.
Other names: c.3670T>C, p.Leu1224= (NM_001256850.1, NM_133378.4, NM_133379.5); c.3532T>C, p.Leu1178= (NM_003319.4, NM_133432.3, NM_133437.4).
Identifiers: ClinVar variation 596607 (VCV000596607.18), dbSNP rs764873258, ClinGen allele CA2005507.

ClinVar aggregate classification (germline): Conflicting classifications of pathogenicity. Review status: criteria provided, conflicting classifications (1 of 4 stars). 4 submissions from 4 submitters: Uncertain significance (1); Likely benign (3). Last evaluated 2026-05-08.

Conditions:
Cardiovascular phenotype. Identifiers: MedGen CN230736.
Dilated cardiomyopathy 1G (CMD1G). Identifiers: Orphanet 154, MedGen C1858763, MONDO:0011400, OMIM 604145.
Autosomal recessive limb-girdle muscular dystrophy type 2J (LGMDR10). Also called: MUSCULAR DYSTROPHY, LIMB-GIRDLE, AUTOSOMAL RECESSIVE 10; Limb-girdle muscular dystrophy, type 2J. Identifiers: Orphanet 140922, MedGen C1837342, MONDO:0012127, OMIM 608807.
TTN-related disorder. Also called: TTN-related condition; TTN-related disease; TTN-related disorders.

Allele frequency attached by ClinVar (database versions not stated): gnomAD exomes below 0.00001; ExAC 0.00001; gnomAD 0.00001 and 0.00003; TOPMed 0.00003.
gnomAD v4.1: 5 of 1,613,608 alleles (0.00031%); highest among the groups gnomAD compares: African/African-American, 0.0067%; no homozygotes.

Submissions (4):

PreventionGenetics, part of Exact Sciences
Classification: Likely benign for TTN-related condition. Last evaluated: 2026-05-08. Review status: criteria provided, single submitter. Criteria: ACMG Guidelines, 2015. Collection method: clinical testing. Allele origin: germline.
Comment: This variant is classified as likely benign based on ACMG/AMP sequence variant interpretation guidelines (Richards et al. 2015 PMID: 25741868, with internal and published modifications).

Labcorp Genetics (formerly Invitae), Labcorp
Classification: Likely benign for Dilated cardiomyopathy 1G; Autosomal recessive limb-girdle muscular dystrophy type 2J. Last evaluated: 2025-11-03. Review status: criteria provided, single submitter. Criteria: Invitae Variant Classification Sherloc (09022015). Collection method: clinical testing. Allele origin: germline.

Ambry Genetics
Classification: Likely benign for Cardiovascular phenotype. Last evaluated: 2023-07-10. Review status: criteria provided, single submitter. Criteria: Ambry Variant Classification Scheme 2023. Collection method: clinical testing. Allele origin: germline.

Eurofins Ntd Llc (ga)
Classification: Uncertain significance. Last evaluated: 2018-03-27. Review status: criteria provided, single submitter. Criteria: EGL ClinVar v180209 classification definitions. Collection method: clinical testing. Allele origin: germline. Observed: 1 variant allele, 1 heterozygote.